The following is an entry in ClinVar:

ClinVar aggregate classification (germline): Pathogenic/Likely pathogenic. Review status: criteria provided, multiple submitters, no conflicts (2 of 4 stars). 2 submissions from 2 submitters: Pathogenic (1); Likely pathogenic (1). Last evaluated 2025-04-29.

Submissions (2):

GeneDx
Classification: Likely pathogenic. Last evaluated: 2025-04-29. Review status: criteria provided, single submitter. Criteria: GeneDx Variant Classification Process June 2021. Collection method: clinical testing. Allele origin: germline. Affected: yes.
Comment: Canonical splice site variant predicted to result in an in-frame loss of the adjacent exon in a gene for which loss of function is a known mechanism of disease; Not observed at significant frequency in large population cohorts (gnomAD); Has not been previously published as pathogenic or benign to our knowledge

Labcorp Genetics (formerly Invitae), Labcorp
Classification: Pathogenic. Last evaluated: 2023-04-10. Review status: criteria provided, single submitter. Criteria: Invitae Variant Classification Sherloc (09022015). Collection method: clinical testing. Allele origin: germline.
Comment: For these reasons, this variant has been classified as Pathogenic. This variant disrupts a region of the TSHR protein in which other variant(s) (p.Thr655Cysfs*2) have been determined to be pathogenic (PMID: 9589691, 12050212, 22049173). This suggests that this is a clinically significant region of the protein, and that variants that disrupt it are likely to be disease-causing. Variants that disrupt the consensus splice site are a relatively common cause of aberrant splicing (PMID: 17576681, 9536098). Algorithms developed to predict the effect of sequence changes on RNA splicing suggest that this variant may disrupt the consensus splice site. This variant has not been reported in the literature in individuals affected with TSHR-related conditions. This variant is not present in population databases (gnomAD no frequency). This sequence change affects a donor splice site in intron 9 of the TSHR gene. While this variant is not anticipated to result in nonsense mediated decay, it likely alters RNA splicing and results in a disrupted protein product.

Literature cited by the submitters: PubMed 9589691 (cited by Labcorp Genetics (formerly Invitae), Labcorp); PubMed 12050212 (cited by Labcorp Genetics (formerly Invitae), Labcorp); PubMed 22049173 (cited by Labcorp Genetics (formerly Invitae), Labcorp); PubMed 17576681 (cited by Labcorp Genetics (formerly Invitae), Labcorp); PubMed 9536098 (cited by Labcorp Genetics (formerly Invitae), Labcorp).

NM_000369.5(TSHR):c.881+1G>A

Genes: TSHR (thyroid stimulating hormone receptor; plus strand), TSHR-AS1 (TSHR antisense RNA 1; minus strand). Cytogenetic location: 14q31.1.
Variant type: single nucleotide variant.
Coding change: c.881+1G>A on transcript NM_000369.5 (MANE Select); the canonical splice donor site of the intron after coding-DNA position 881, G replaced by A.
Molecular consequence: splice donor variant.
Genome position (GRCh38, 1-based): chr14:81,139,868, G>A. VCF-style: chr14-81139868-G-A. GRCh37 (hg19) VCF-style: chr14-81606212-G-A.
Identifiers: ClinVar variation 2854630 (VCV002854630.4), dbSNP rs1330247874, ClinGen allele CA390725884.